The following is an entry in ClinVar:

NM_024079.5(ALG8):c.671C>A (p.Pro224Gln)

Gene: ALG8 (ALG8 alpha-1,3-glucosyltransferase; minus strand). Cytogenetic location: 11q14.1.
Variant type: single nucleotide variant.
Coding change: c.671C>A on transcript NM_024079.5 (MANE Select); coding-DNA position 671, C replaced by A.
Protein change: p.Pro224Gln; replaces proline 224 with glutamine.
Molecular consequence: missense variant.
Genome position (GRCh38, 1-based): chr11:78,114,268, G>T on the plus strand (C>A on the coding strand, the complement: ALG8 is on the minus strand). VCF-style: chr11-78114268-G-T. GRCh37 (hg19) VCF-style: chr11-77825314-G-T.
Other names: c.671C>A, p.Pro224Gln (NM_001007027.3); short protein forms P224Q.
Identifiers: ClinVar variation 1947494 (VCV001947494.5), dbSNP rs752295244, ClinGen allele CA6203392.

ClinVar aggregate classification (germline): Uncertain significance (1 of 4 stars; one submission).

Conditions:
ALG8 congenital disorder of glycosylation. Also called: CONGENITAL DISORDER OF GLYCOSYLATION, TYPE Ih; CDG Ih; ALG8-CDG. Identifiers: Orphanet 79325, MedGen C2931002, MONDO:0011969, OMIM 608104.

Allele frequency attached by ClinVar (database versions not stated): gnomAD 0.00001; TOPMed 0.00001; ExAC 0.00002.
gnomAD v4.1: 10 of 1,613,946 alleles (0.00062%); highest among the groups gnomAD compares: Non-Finnish European, 0.00068%; no homozygotes.

Submission:

Labcorp Genetics (formerly Invitae), Labcorp
Classification: Uncertain significance for ALG8 congenital disorder of glycosylation. Last evaluated: 2023-11-27. Review status: criteria provided, single submitter. Criteria: Invitae Variant Classification Sherloc (09022015). Collection method: clinical testing. Allele origin: germline.
Comment: This sequence change replaces proline, which is neutral and non-polar, with glutamine, which is neutral and polar, at codon 224 of the ALG8 protein (p.Pro224Gln). This variant is present in population databases (rs752295244, gnomAD 0.003%). This variant has not been reported in the literature in individuals affected with ALG8-related conditions. ClinVar contains an entry for this variant (Variation ID: 1947494). An algorithm developed to predict the effect of missense changes on protein structure and function (PolyPhen-2) suggests that this variant is likely to be tolerated. In summary, the available evidence is currently insufficient to determine the role of this variant in disease. Therefore, it has been classified as a Variant of Uncertain Significance.